The following is an entry in ClinVar:

ClinVar aggregate classification (germline): Pathogenic (1 of 4 stars; one submission).

Conditions:
Fanconi anemia (FA). Also called: Fanconi's anemia. Identifiers: Orphanet 84, MedGen C0015625, MeSH D005199, MONDO:0019391.

Submission:

Labcorp Genetics (formerly Invitae), Labcorp
Classification: Pathogenic for Fanconi anemia. Last evaluated: 2022-04-21. Review status: criteria provided, single submitter. Criteria: Invitae Variant Classification Sherloc (09022015). Collection method: clinical testing. Allele origin: germline.
Comment: For these reasons, this variant has been classified as Pathogenic. This variant has not been reported in the literature in individuals affected with FANCA-related conditions. This variant is not present in population databases (gnomAD no frequency). This sequence change creates a premature translational stop signal (p.Tyr448Cysfs*36) in the FANCA gene. It is expected to result in an absent or disrupted protein product. Loss-of-function variants in FANCA are known to be pathogenic (PMID: 19367192).

Literature cited by the submitters: PubMed 19367192.

NM_000135.4(FANCA):c.1343_1344del (p.Tyr448fs)

Gene: FANCA (FA complementation group A; minus strand). Cytogenetic location: 16q24.3.
Variant type: Microsatellite.
Coding change: c.1343_1344del on transcript NM_000135.4 (MANE Select); coding-DNA positions 1343 to 1344, 2 bases deleted (AT; older notation c.1343_1344delAT).
Protein change: p.Tyr448fs; shifts the reading frame from tyrosine 448.
Molecular consequence: frameshift variant.
Genome position (GRCh38, 1-based): chr16:89,791,418-89,791,419, AT deleted on the plus strand (AT on the coding strand, the reverse complement: FANCA is on the minus strand); deleting any 2 consecutive bases within chr16:89,791,418-89,791,421 gives the same sequence; the c. name uses the placement nearest the transcript's 3' end. VCF-style (leftmost placement, unchanged base first): chr16-89791417-CAT-C. GRCh37 (hg19) VCF-style: chr16-89857825-CAT-C.
Other names: c.1343_1344del, p.Tyr448fs (NM_001286167.3); short protein forms Y448fs.
Identifiers: ClinVar variation 1449387 (VCV001449387.6), dbSNP rs2143525701, ClinGen allele CA2580613941.